The following is an entry in ClinVar:

NM_000520.6(HEXA):c.1073+1G>C

Gene: HEXA (hexosaminidase subunit alpha; minus strand). Cytogenetic location: 15q23.
Variant type: single nucleotide variant.
Coding change: c.1073+1G>C on transcript NM_000520.6 (MANE Select); the canonical splice donor site of the intron after coding-DNA position 1073, G replaced by C.
Molecular consequence: splice donor variant.
Genome position (GRCh38, 1-based): chr15:72,348,047, C>G on the plus strand (G>C on the coding strand, the complement: HEXA is on the minus strand). VCF-style: chr15-72348047-C-G. GRCh37 (hg19) VCF-style: chr15-72640388-C-G.
Other names: c.1106+1G>C (NM_001318825.2).
Identifiers: ClinVar variation 1076289 (VCV001076289.8), dbSNP rs76173977, ClinGen allele CA393061816.

ClinVar aggregate classification (germline): Pathogenic (1 of 4 stars; one submission).

Conditions:
Tay-Sachs disease (TSD). Also called: HEXA DEFICIENCY; HEXA Disorders; GM2 gangliosidosis, type 1; Hexosaminidase alpha-subunit deficiency (variant B); Sphingolipidosis, Tay-Sachs; Hexosaminidase A Deficiency. Identifiers: Orphanet 845, MedGen C0039373, MONDO:0010100, OMIM 272800.

Submission:

Labcorp Genetics (formerly Invitae), Labcorp
Classification: Pathogenic for Tay-Sachs disease. Last evaluated: 2020-03-14. Review status: criteria provided, single submitter. Criteria: Invitae Variant Classification Sherloc (09022015). Collection method: clinical testing. Allele origin: germline.
Comment: This sequence change affects a donor splice site in intron 9 of the HEXA gene. It is expected to disrupt RNA splicing and likely results in an absent or disrupted protein product. This variant is not present in population databases (ExAC no frequency). Disruption of this splice site has been observed in individual(s) with Tay-Sachs disease (PMID: 8490625, 1387685, 19858779). Experimental studies have shown that this disruption of this splice site affects mRNA splicing (PMID: 1301938, 8444467). Donor and acceptor splice site variants typically lead to a loss of protein function (PMID: 16199547), and loss-of-function variants in HEXA are known to be pathogenic (PMID: 1833974, 8490625). For these reasons, this variant has been classified as Pathogenic.

Literature cited by the submitters: PubMed 8490625; PubMed 1387685; PubMed 19858779; PubMed 1301938; PubMed 8444467; PubMed 16199547; PubMed 1833974.